The following is an entry in ClinVar:

NM_005068.3(SIM1):c.184G>A (p.Glu62Lys)

Gene: SIM1 (SIM bHLH transcription factor 1; minus strand). Cytogenetic location: 6q16.3.
Variant type: single nucleotide variant.
Coding change: c.184G>A on transcript NM_005068.3 (MANE Select); coding-DNA position 184, G replaced by A.
Protein change: p.Glu62Lys; replaces glutamic acid 62 with lysine.
Molecular consequence: missense variant.
Genome position (GRCh38, 1-based): chr6:100,453,836, C>T on the plus strand (G>A on the coding strand, the complement: SIM1 is on the minus strand). VCF-style: chr6-100453836-C-T. GRCh37 (hg19) VCF-style: chr6-100901712-C-T.
Other names: c.184G>A, p.Glu62Lys (NM_001374769.1); short protein forms E62K.
Identifiers: ClinVar variation 3358099 (VCV003358099.2).

ClinVar aggregate classification (germline): Uncertain significance. Review status: criteria provided, single submitter (1 of 4 stars). 2 submissions from 2 submitters: Uncertain significance (1). 1 of the submissions does not count toward it. Last evaluated 2021-01-21.

Conditions:
SIM1-related disorder. Also called: SIM1-related disorders; SIM1-related condition.

gnomAD v4.1: 14 of 1,611,302 alleles (0.00087%); highest among the groups gnomAD compares: Admixed American, 0.01%; no homozygotes.

Submissions (2):

Blueprint Genetics
Classification: Uncertain significance. Last evaluated: 2021-01-21. Review status: criteria provided, single submitter. Criteria: ACMG Guidelines, 2015. Collection method: clinical testing. Allele origin: germline.

PreventionGenetics, part of Exact Sciences
Classification: Uncertain significance for SIM1-related condition. Last evaluated: 2024-06-13. Review status: no assertion criteria provided. Collection method: clinical testing. Allele origin: germline. Not counted in ClinVar's aggregate classification.
Comment: The SIM1 c.184G>A variant is predicted to result in the amino acid substitution p.Glu62Lys. This variant was reported in an individual with severe obesity and functional analysis showed that it may impart a gain of function effect on the SIM1 activity with ARNT (Bonnefond et al 2013. PubMed ID: 23778136). This variant is reported in 0.0089% of alleles in individuals of Latino descent in gnomAD. At this time, the clinical significance of this variant is uncertain due to the absence of conclusive functional and genetic evidence.